The following is an entry in ClinVar:

ClinVar aggregate classification (germline): Uncertain significance (1 of 4 stars; one submission).

Conditions:
Inborn genetic diseases. Identifiers: MedGen C0950123, MeSH D030342.

Submission:

Ambry Genetics
Classification: Uncertain significance for Inborn genetic diseases. Last evaluated: 2024-10-31. Review status: criteria provided, single submitter. Criteria: Ambry Variant Classification Scheme 2023. Collection method: clinical testing. Allele origin: germline.
Comment: The p.A270S variant (also known as c.808G>T), located in coding exon 7 of the ACD gene, results from a G to T substitution at nucleotide position 808. The alanine at codon 270 is replaced by serine, an amino acid with similar properties. This amino acid position is conserved. In addition, this alteration is predicted to be tolerated by in silico analysis. Based on the available evidence, the clinical significance of this variant remains unclear.

NM_001082486.2(ACD):c.550G>T (p.Ala184Ser)

Gene: ACD (ACD shelterin complex subunit and telomerase recruitment factor; minus strand). Cytogenetic location: 16q22.1.
Variant type: single nucleotide variant.
Coding change: c.550G>T on transcript NM_001082486.2 (MANE Select); coding-DNA position 550, G replaced by T.
Protein change: p.Ala184Ser; replaces alanine 184 with serine.
Molecular consequence: missense variant.
Genome position (GRCh38, 1-based): chr16:67,659,023, C>A on the plus strand (G>T on the coding strand, the complement: ACD is on the minus strand). VCF-style: chr16-67659023-C-A. GRCh37 (hg19) VCF-style: chr16-67692926-C-A.
Other names: c.550G>T, p.Ala184Ser (NM_001410884.1); c.541G>T, p.Ala181Ser (NM_022914.3); short protein forms A184S, A181S.
Identifiers: ClinVar variation 3480484 (VCV003480484.1).